The following is an entry in ClinVar:

NM_000228.3(LAMB3):c.3016del (p.Arg1006fs)

Gene: LAMB3 (laminin subunit beta 3; minus strand). Cytogenetic location: 1q32.2.
Variant type: Deletion.
Coding change: c.3016del on transcript NM_000228.3 (MANE Select); coding-DNA position 3016, one base deleted (C; older notation c.3016delC).
Protein change: p.Arg1006fs; shifts the reading frame from arginine 1006.
Molecular consequence: frameshift variant.
Genome position (GRCh38, 1-based): chr1:209,617,942, G deleted on the plus strand (C on the coding strand, the reverse complement: LAMB3 is on the minus strand); the first of 2 consecutive G bases (chr1:209,617,942-209,617,943); deleting either gives the same sequence. VCF-style (leftmost placement, unchanged base first): chr1-209617941-CG-C. GRCh37 (hg19) VCF-style: chr1-209791286-CG-C.
Other names: c.3016del, p.Arg1006fs (NM_001017402.2, NM_001127641.1); short protein forms R1006fs.
Identifiers: ClinVar variation 5012638 (VCV005012638.1).
Genomic context (GRCh38, chr1:209,617,941, plus strand): 5'-GGGCGGAGGAAGCCATAATGCCTCACCTCAGCAACCCTGTCCTGGATAAGCCGAAGGGAG[CG>C]GCTGGTGCCTTGCATGGTGTCCTGAGCTTCCTGCAGTGCCACTGTCCCCTGCCGCAGGTT-3'

ClinVar aggregate classification (germline): Pathogenic (1 of 4 stars; one submission).

Conditions:
Junctional epidermolysis bullosa. Identifiers: Orphanet 305, MedGen C0079301, MONDO:0017612.

Submission:

Myriad Genetics, Inc.
Classification: Pathogenic for Junctional epidermolysis bullosa. Last evaluated: 2024-01-10. Review status: criteria provided, single submitter. Criteria: Myriad Autosomal Dominant, Autosomal Recessive and X-Linked Classification Criteria (2023). Collection method: clinical testing. Allele origin: unknown.
Comment: NM_000228.2(LAMB3):c.3016delC(R1006Afs*24) is expected to be pathogenic in the context of junctional epidermolysis bullosa, LAMB3-related. This variant is predicted to lead to an abnormal or absent protein product due to the creation of a premature termination codon in LAMB3, a gene where loss-of-function variants are known to be pathogenic. Please note: this variant was assessed in the context of healthy population screening.